The following is an entry in ClinVar:

NM_001571.6(IRF3):c.291C>G (p.Ser97Arg)

Gene: IRF3 (interferon regulatory factor 3; minus strand). Cytogenetic location: 19q13.33.
Variant type: single nucleotide variant.
Coding change: c.291C>G on transcript NM_001571.6 (MANE Select); coding-DNA position 291, C replaced by G.
Protein change: p.Ser97Arg; replaces serine 97 with arginine.
Molecular consequence: missense variant. On other transcripts: 5 prime UTR variant (2), non-coding transcript variant (1), intron variant (2).
Genome position (GRCh38, 1-based): chr19:49,663,389, G>C on the plus strand (C>G on the coding strand, the complement: IRF3 is on the minus strand). VCF-style: chr19-49663389-G-C. GRCh37 (hg19) VCF-style: chr19-50166646-G-C.
Other names: c.291C>G, p.Ser97Arg (NM_001197122.2, NM_001197124.2); c.186C>G, p.Ser62Arg (NM_001197123.2); c.-148C>G (NM_001197125.2, NM_001197127.2); c.-101-131C>G (NM_001197128.2, NM_001197126.2); short protein forms S97R, S62R.
Identifiers: ClinVar variation 2251100 (VCV002251100.3), dbSNP rs1256594274, ClinGen allele CA406894260.
Genomic context (GRCh38, chr19:49,663,389, plus strand): 5'-CCAAGCTGGCAGACCTGAGTTCACAAACTCGTAGATTTTATGTGGGTCGTGAGGGTCCTT[G>C]CTCCGGTCCTCTGCTAAACGCAACCCTTCTTTGCGGTTGAGGGCAGAGCGGAAATTCCTC-3'
Protein context (NP_001562.1, residues 87-107): KEGLRLAEDR[Ser97Arg]KDPHDPHKIY

ClinVar aggregate classification (germline): Uncertain significance. Review status: criteria provided, multiple submitters, no conflicts (2 of 4 stars). 2 submissions from 2 submitters: Uncertain significance (2). Last evaluated 2024-07-03.

Allele frequency attached by ClinVar (database versions not stated): TOPMed 0.00002.

Submissions (2):

Women's Health and Genetics/Laboratory Corporation of America, LabCorp
Classification: Uncertain significance. Last evaluated: 2024-07-03. Review status: criteria provided, single submitter. Criteria: LabCorp Variant Classification Summary - May 2015. Collection method: clinical testing. Allele origin: germline.
Comment: Variant summary: IRF3 c.291C>G (p.Ser97Arg) results in a non-conservative amino acid change located in the Interferon regulatory factor, DNA-binding domain (IPR001346) of the encoded protein sequence. Five of five in-silico tools predict a damaging effect of the variant on protein function. The variant was absent in 251454 control chromosomes. The available data on variant occurrences in the general population are insufficient to allow any conclusion about variant significance. To our knowledge, no occurrence of c.291C>G in individuals affected with Herpes Simplex Encephalitis, Susceptibility To, 7 and no experimental evidence demonstrating its impact on protein function have been reported. ClinVar contains an entry for this variant (Variation ID: 2251100). Based on the evidence outlined above, the variant was classified as uncertain significance.

Ambry Genetics
Classification: Uncertain significance. Last evaluated: 2022-08-04. Review status: criteria provided, single submitter. Criteria: Ambry Variant Classification Scheme 2023. Collection method: clinical testing. Allele origin: germline.